The following is an entry in ClinVar:

ClinVar aggregate classification (germline): Uncertain significance (1 of 4 stars; one submission).

Allele frequency attached by ClinVar (database versions not stated): gnomAD exomes below 0.00001; TOPMed below 0.00001; ExAC 0.00001.
gnomAD v4.1: 7 of 1,614,208 alleles (0.00043%); highest among the groups gnomAD compares: Admixed American, 0.0083%; no homozygotes.

Submission:

Labcorp Genetics (formerly Invitae), Labcorp
Classification: Uncertain significance. Last evaluated: 2022-06-07. Review status: criteria provided, single submitter. Criteria: Invitae Variant Classification Sherloc (09022015). Collection method: clinical testing. Allele origin: germline.
Comment: Disruption of this splice site has been observed in individual(s) with clinical features of retinitis pigmentosa (Invitae). This sequence change affects a donor splice site in intron 2 of the PRPF6 gene. It is expected to disrupt RNA splicing. Variants that disrupt the donor or acceptor splice site typically lead to a loss of protein function (PMID: 16199547), however the current clinical and genetic evidence is not sufficient to establish whether loss-of-function variants in PRPF6 cause disease. This variant is present in population databases (rs112161622, gnomAD 0.006%). Algorithms developed to predict the effect of sequence changes on RNA splicing suggest that this variant may disrupt the consensus splice site. In summary, the available evidence is currently insufficient to determine the role of this variant in disease. Therefore, it has been classified as a Variant of Uncertain Significance.

Literature cited by the submitters: PubMed 16199547.

NM_012469.4(PRPF6):c.240+1G>A

Gene: PRPF6 (pre-mRNA processing factor 6; plus strand). Cytogenetic location: 20q13.33.
Variant type: single nucleotide variant.
Coding change: c.240+1G>A on transcript NM_012469.4 (MANE Select); the canonical splice donor site of the intron after coding-DNA position 240, G replaced by A.
Molecular consequence: splice donor variant.
Genome position (GRCh38, 1-based): chr20:63,983,216, G>A. VCF-style: chr20-63983216-G-A. GRCh37 (hg19) VCF-style: chr20-62614569-G-A.
Identifiers: ClinVar variation 2414308 (VCV002414308.7), dbSNP rs112161622, ClinGen allele CA9971830.